The following is an entry in ClinVar:

ClinVar aggregate classification (germline): Likely pathogenic (1 of 4 stars; one submission).

Conditions:
RBMX-related disorder. Also called: RBMX-related condition.

Submission:

Institute for Human Genetics, University Hospital Essen
Classification: Likely pathogenic for RBMX related disorder. Last evaluated: 2026-02-26. Review status: criteria provided, single submitter. Criteria: ACMG Guidelines, 2015. Collection method: clinical testing. Allele origin: maternal. Inheritance: X-linked inheritance. Affected: yes. Observed: 1 variant allele, 1 hemizygote.
Comment: PS3_mod, PM2_mod, PM4_mod

NM_002139.4(RBMX):c.1057_1058del (p.Met353fs)

Genes: RBMX (RNA binding motif protein X-linked; minus strand), LOC126863330 (MED14-independent group 3 enhancer GRCh37_chrX:135956167-135957366; plus strand). Cytogenetic location: Xq26.3.
Variant type: Deletion.
Coding change: c.1057_1058del on transcript NM_002139.4 (MANE Select); coding-DNA positions 1057 to 1058, 2 bases deleted (AT; older notation c.1057_1058delAT).
Protein change: p.Met353fs; shifts the reading frame from methionine 353.
Molecular consequence: frameshift variant. On other transcripts: non-coding transcript variant (2), intron variant (1).
Genome position (GRCh38, 1-based): chrX:136,874,260-136,874,261, AT deleted on the plus strand (AT on the coding strand, the reverse complement: RBMX is on the minus strand); deleting any 2 consecutive bases within chrX:136,874,260-136,874,262 gives the same sequence; the c. name uses the placement nearest the transcript's 3' end. VCF-style (leftmost placement, unchanged base first): chrX-136874259-CAT-C. GRCh37 (hg19) VCF-style: chrX-135956418-CAT-C.
Other names: c.540+825_540+826del (NM_001164803.2); short protein forms M353fs.
Identifiers: ClinVar variation 4813207 (VCV004813207.1).
Genomic context (GRCh38, chrX:136,874,259, plus strand): 5'-TCTTGGTGCTCCGCGGCTTGAACTGCTGTAGGAATCACGTGGAGGAGGGTACCCCCTTTC[CAT>C]AGAAGGGGGAAGCCCTCTTTCTTGTCTGCCAACCCGATCACGACCACTTGAGTAGAGATC-3'